The following is an entry in ClinVar:

NM_000186.4(CFH):c.3530A>T (p.Tyr1177Phe)

Gene: CFH (complement factor H; plus strand). Cytogenetic location: 1q31.3.
Variant type: single nucleotide variant.
Coding change: c.3530A>T on transcript NM_000186.4 (MANE Select); coding-DNA position 3530, A replaced by T.
Protein change: p.Tyr1177Phe; replaces tyrosine 1177 with phenylalanine.
Molecular consequence: missense variant.
Genome position (GRCh38, 1-based): chr1:196,747,147, A>T. VCF-style: chr1-196747147-A-T. GRCh37 (hg19) VCF-style: chr1-196716277-A-T.
Other names: short protein forms Y1177F.
Identifiers: ClinVar variation 988146 (VCV000988146.1), dbSNP rs1653040477, ClinGen allele CA343987256.
Genomic context (GRCh38, chr1:196,747,147, plus strand): 5'-ATGTTTACTGTTTTTTATTTTCAGATCCGTGTGTAATATCCCGAGAAATTATGGAAAATT[A>T]TAACATAGCATTAAGGTGGACAGCCAAACAGAAGCTTTATTCGAGAACAGGTGAATCAGT-3'
Protein context (NP_000177.2, residues 1167-1187): CVISREIMEN[Tyr1177Phe]NIALRWTAKQ

ClinVar aggregate classification (germline): Uncertain significance (0 of 4 stars; one submission).

Conditions:
Atypical hemolytic-uremic syndrome. Identifiers: Orphanet 2134, MedGen C2931788, MONDO:0016244.

Allele frequency attached by ClinVar (database versions not stated): gnomAD exomes below 0.00001.
gnomAD v4.1: 4 of 1,613,906 alleles (0.00025%); highest among the groups gnomAD compares: Non-Finnish European, 0.00034%; no homozygotes.

Submission:

Sydney Genome Diagnostics, Children's Hospital Westmead
Classification: Uncertain significance for Atypical hemolytic-uremic syndrome. Last evaluated: 2018-05-30. Review status: no assertion criteria provided. Collection method: clinical testing. Allele origin: unknown. Affected: yes. Observed: 1 variant allele, 1 heterozygote.
Comment: To our knowledge, this variant has not been reported in the literature or in any population databases (i.e. ExAC browser, ESP or dbSNP). In silico analysis (Alamut Visual v2.8.1) is inconclusive regarding this variant, SIFT and MutationTaster predicts it to be likely benign whereas PolyPhen2 predicts it to be possibly pathogenic. Heterozygous variants in CFH have been reported to confer susceptibility or a predisposition to atypical haemolytic uremic syndrome (aHUS) (OMIM134370). The inheritance is typically autosomal dominant and can show incomplete penetrance (Genereviews PMID: 20301541).